The following is an entry in ClinVar:

NM_183075.3(CYP2U1):c.890del (p.Phe297fs)

Gene: CYP2U1 (cytochrome P450 family 2 subfamily U member 1; plus strand). Cytogenetic location: 4q25.
Variant type: Deletion.
Coding change: c.890del on transcript NM_183075.3 (MANE Select); coding-DNA position 890, one base deleted (T; older notation c.890delT).
Protein change: p.Phe297fs; shifts the reading frame from phenylalanine 297.
Molecular consequence: frameshift variant.
Genome position (GRCh38, 1-based): chr4:107,945,369, T deleted; the last of 3 consecutive T bases (chr4:107,945,367-107,945,369); deleting any one gives the same sequence. VCF-style (leftmost placement, unchanged base first): chr4-107945366-GT-G. GRCh37 (hg19) VCF-style: chr4-108866522-GT-G.
Other names: short protein forms F297fs.
Identifiers: ClinVar variation 3674787 (VCV003674787.2).

ClinVar aggregate classification (germline): Pathogenic (1 of 4 stars; one submission).

Conditions:
Spastic paraplegia. Identifiers: MedGen C0037772, HP:0001258.

Submission:

Labcorp Genetics (formerly Invitae), Labcorp
Classification: Pathogenic for Spastic paraplegia. Last evaluated: 2024-06-04. Review status: criteria provided, single submitter. Criteria: Invitae Variant Classification Sherloc (09022015). Collection method: clinical testing. Allele origin: germline.
Comment: This sequence change creates a premature translational stop signal (p.Phe297Serfs*22) in the CYP2U1 gene. It is expected to result in an absent or disrupted protein product. Loss-of-function variants in CYP2U1 are known to be pathogenic (PMID: 23176821, 26936192, 27292318). This variant is not present in population databases (gnomAD no frequency). This variant has not been reported in the literature in individuals affected with CYP2U1-related conditions. For these reasons, this variant has been classified as Pathogenic.

Literature cited by the submitters: PubMed 23176821; PubMed 26936192; PubMed 27292318.